The following is an entry in ClinVar:

ClinVar aggregate classification (germline): Pathogenic (1 of 4 stars; one submission).

Submission:

Labcorp Genetics (formerly Invitae), Labcorp
Classification: Pathogenic. Last evaluated: 2022-02-02. Review status: criteria provided, single submitter. Criteria: Invitae Variant Classification Sherloc (09022015). Collection method: clinical testing. Allele origin: germline.
Comment: This variant is a gross deletion of the genomic region encompassing exon(s) 7-8 of the TSPAN12 gene, which includes the termination codon. This deletion extends beyond the assayed region for this gene and therefore may encompass additional genes. While this deletion is not anticipated to lead to nonsense mediated decay, it is expected to alter mRNA translation or result in a truncated protein product. This variant has not been reported in the literature in individuals affected with TSPAN12-related conditions. The region of the TSPAN12 gene that includes exon(s) 8 has been determined to be clinically significant (PMID: 28867931). Therefore, deletions that encompass that region are likely to be disease-causing. For these reasons, this variant has been classified as Pathogenic.

Literature cited by the submitters: PubMed 28867931.

NC_000007.13:g.(?_120428646)_(120446766_?)del

Gene: TSPAN12 (tetraspanin 12; minus strand). Cytogenetic location: 7q31.31.
Variant type: Deletion.
Identifiers: ClinVar variation 2425800 (VCV002425800.3).